The following is an entry in ClinVar:

ClinVar aggregate classification (germline): Uncertain significance (1 of 4 stars; one submission).

Conditions:
Developmental and epileptic encephalopathy, 53. Also called: Epileptic encephalopathy, early infantile, 53. Identifiers: MedGen C4479313, MONDO:0033362, OMIM 617389.
Early-onset Parkinson disease 20. Also called: PARKINSON DISEASE 20, AUTOSOMAL RECESSIVE EARLY-ONSET. Identifiers: Orphanet 391411, MedGen C3809824, MONDO:0014233, OMIM 615530.

Allele frequency attached by ClinVar (database versions not stated): ExAC 0.00001; gnomAD 0.00001; gnomAD exomes 0.00001; TOPMed 0.00001; 1000 Genomes Project 0.00020; 1000 Genomes Project 30x 0.00031.

Submission:

Labcorp Genetics (formerly Invitae), Labcorp
Classification: Uncertain significance for Developmental and epileptic encephalopathy, 53; Early-onset Parkinson disease 20. Last evaluated: 2022-08-11. Review status: criteria provided, single submitter. Criteria: Invitae Variant Classification Sherloc (09022015). Collection method: clinical testing. Allele origin: germline.
Comment: This sequence change replaces alanine, which is neutral and non-polar, with serine, which is neutral and polar, at codon 76 of the SYNJ1 protein (p.Ala76Ser). This variant is present in population databases (rs188041355, gnomAD 0.006%). This variant has not been reported in the literature in individuals affected with SYNJ1-related conditions. Algorithms developed to predict the effect of missense changes on protein structure and function (SIFT, PolyPhen-2, Align-GVGD) all suggest that this variant is likely to be tolerated. Algorithms developed to predict the effect of sequence changes on RNA splicing suggest that this variant may create or strengthen a splice site. In summary, the available evidence is currently insufficient to determine the role of this variant in disease. Therefore, it has been classified as a Variant of Uncertain Significance.

NM_203446.3(SYNJ1):c.109G>T (p.Ala37Ser)

Gene: SYNJ1 (synaptojanin 1; minus strand). Cytogenetic location: 21q22.11.
Variant type: single nucleotide variant.
Coding change: c.109G>T on transcript NM_203446.3 (MANE Select); coding-DNA position 109, G replaced by T.
Protein change: p.Ala37Ser; replaces alanine 37 with serine.
Molecular consequence: missense variant.
Genome position (GRCh38, 1-based): chr21:32,726,787, C>A on the plus strand (G>T on the coding strand, the complement: SYNJ1 is on the minus strand). VCF-style: chr21-32726787-C-A. GRCh37 (hg19) VCF-style: chr21-34099098-C-A.
Other names: c.109G>T, p.Ala37Ser (NM_001160302.2, NM_001160306.2); c.226G>T, p.Ala76Ser (NM_003895.4); short protein forms A37S, A76S.
Identifiers: ClinVar variation 2080048 (VCV002080048.1), dbSNP rs188041355, ClinGen allele CA10004212.